The following is an entry in ClinVar:

NM_022051.3(EGLN1):c.826A>T (p.Met276Leu)

Genes: EGLN1 (egl-9 family hypoxia inducible factor 1; minus strand), LOC129932769 (ATAC-STARR-seq lymphoblastoid active region 2730; plus strand). Cytogenetic location: 1q42.2.
Variant type: single nucleotide variant.
Coding change: c.826A>T on transcript NM_022051.3 (MANE Select); coding-DNA position 826, A replaced by T.
Protein change: p.Met276Leu; replaces methionine 276 with leucine.
Molecular consequence: missense variant.
Genome position (GRCh38, 1-based): chr1:231,421,063, T>A on the plus strand (A>T on the coding strand, the complement: EGLN1 is on the minus strand). VCF-style: chr1-231421063-T-A. GRCh37 (hg19) VCF-style: chr1-231556809-T-A.
Other names: c.826A>T, p.Met276Leu (NM_001377260.1, NM_001377261.1); short protein forms M276L.
Identifiers: ClinVar variation 4870313 (VCV004870313.1).

ClinVar aggregate classification (germline): Uncertain significance (1 of 4 stars; one submission).

Submission:

Ambry Genetics
Classification: Uncertain significance. Last evaluated: 2026-04-22. Review status: criteria provided, single submitter. Criteria: Ambry Variant Classification Scheme 2023. Collection method: clinical testing. Allele origin: germline.
Comment: The p.M276L variant (also known as c.826A>T), located in coding exon 1 of the EGLN1 gene, results from an A to T substitution at nucleotide position 826. The methionine at codon 276 is replaced by leucine, an amino acid with highly similar properties. This amino acid position is conserved. In addition, the in silico prediction for this alteration is inconclusive. Based on the available evidence, the clinical significance of this variant remains unclear.